The following is an entry in ClinVar:

NM_006420.3(ARFGEF2):c.4668G>C (p.Gln1556His)

Gene: ARFGEF2 (ARF guanine nucleotide exchange factor 2; plus strand). Cytogenetic location: 20q13.13.
Variant type: single nucleotide variant.
Coding change: c.4668G>C on transcript NM_006420.3 (MANE Select); coding-DNA position 4668, G replaced by C.
Protein change: p.Gln1556His; replaces glutamine 1556 with histidine.
Molecular consequence: missense variant.
Genome position (GRCh38, 1-based): chr20:49,023,094, G>C. VCF-style: chr20-49023094-G-C. GRCh37 (hg19) VCF-style: chr20-47639631-G-C.
Other names: short protein forms Q1556H.
Identifiers: ClinVar variation 1700427 (VCV001700427.2), dbSNP rs2123556844, ClinGen allele CA409332713.
Genomic context (GRCh38, chr20:49,023,094, plus strand): 5'-TTTATCATCTAACATAGATCAGAAACTGTTTGCCAGCCTCCTCATCAAGTGTGTGGTCCA[G>C]TTGGAATTGATACAGACCATTGACAACATTGTGTTCTACCCTGCGACGAGCAAAAAGGAG-3'
Protein context (NP_006411.2, residues 1546-1566): FASLLIKCVV[Gln1556His]LELIQTIDNI

ClinVar aggregate classification (germline): Uncertain significance (1 of 4 stars; one submission).

Submission:

GeneDx
Classification: Uncertain significance. Last evaluated: 2022-02-08. Review status: criteria provided, single submitter. Criteria: GeneDx Variant Classification Process June 2021. Collection method: clinical testing. Allele origin: germline. Affected: yes.
Comment: Not observed at significant frequency in large population cohorts (gnomAD); In silico analysis supports that this missense variant has a deleterious effect on protein structure/function; Has not been previously published as pathogenic or benign to our knowledge